The following is an entry in ClinVar:

ClinVar aggregate classification (germline): Uncertain significance. Review status: criteria provided, multiple submitters, no conflicts (2 of 4 stars). 4 submissions from 4 submitters: Uncertain significance (4). Last evaluated 2026-07-31.

Conditions:
ERCC1-related disorder. Also called: ERCC1-related condition.
Cerebrooculofacioskeletal syndrome 4 (COFS4). Identifiers: MedGen C1853100, MONDO:0012554, OMIM 610758.

Allele frequency attached by ClinVar (database versions not stated): gnomAD 0.00009 and 0.00010; TOPMed 0.00012; gnomAD exomes 0.00014 and 0.00023; ExAC 0.00021; ESP Exome Variant Server 0.00031.
gnomAD v4.1: 234 of 1,613,652 alleles (0.015%); highest among the groups gnomAD compares: Middle Eastern, 0.1%; 2 homozygotes.

Submissions (4):

PreventionGenetics, part of Exact Sciences
Classification: Uncertain significance for ERCC1-related condition. Last evaluated: 2026-07-31. Review status: criteria provided, single submitter. Criteria: ACMG Guidelines, 2015. Collection method: clinical testing. Allele origin: germline.
Comment: The ERCC1 c.799T>C variant is predicted to result in the amino acid substitution p.Ser267Pro. To our knowledge, this variant has not been reported in the literature. This variant is reported in 0.16% of alleles in individuals of Ashkenazi Jewish descent in gnomAD and is classified as uncertain in ClinVar (Variation ID: 638523). Although we suspect that this variant may be benign, at this time, the clinical significance of this variant is uncertain due to the absence of conclusive functional and genetic evidence.

GeneDx
Classification: Uncertain significance. Last evaluated: 2024-11-11. Review status: criteria provided, single submitter. Criteria: GeneDx Variant Classification Process June 2021. Collection method: clinical testing. Allele origin: germline. Affected: yes.
Comment: In silico analysis supports that this missense variant has a deleterious effect on protein structure/function; This variant is associated with the following publications: (PMID: 24158589, 27259054)

Labcorp Genetics (formerly Invitae), Labcorp
Classification: Uncertain significance. Last evaluated: 2022-05-03. Review status: criteria provided, single submitter. Criteria: Invitae Variant Classification Sherloc (09022015). Collection method: clinical testing. Allele origin: germline.
Comment: This sequence change replaces serine, which is neutral and polar, with proline, which is neutral and non-polar, at codon 267 of the ERCC1 protein (p.Ser267Pro). This variant is present in population databases (rs146256515, gnomAD 0.2%), including at least one homozygous and/or hemizygous individual. This variant has not been reported in the literature in individuals affected with ERCC1-related conditions. ClinVar contains an entry for this variant (Variation ID: 638523). Algorithms developed to predict the effect of missense changes on protein structure and function are either unavailable or do not agree on the potential impact of this missense change (SIFT: "Deleterious"; PolyPhen-2: "Probably Damaging"; Align-GVGD: "Class C0"). In summary, the available evidence is currently insufficient to determine the role of this variant in disease. Therefore, it has been classified as a Variant of Uncertain Significance.

Genomic Research Center, Shahid Beheshti University of Medical Sciences
Classification: Uncertain significance for Cerebrooculofacioskeletal syndrome 4. Last evaluated: 2019-04-27. Review status: criteria provided, single submitter. Criteria: ACMG Guidelines, 2015. Collection method: clinical testing. Allele origin: inherited. Affected: yes.

NM_001983.4(ERCC1):c.799T>C (p.Ser267Pro)

Gene: ERCC1 (ERCC excision repair 1, endonuclease non-catalytic subunit; minus strand). Cytogenetic location: 19q13.32.
Variant type: single nucleotide variant.
Coding change: c.799T>C on transcript NM_001983.4 (MANE Select); coding-DNA position 799, T replaced by C.
Protein change: p.Ser267Pro; replaces serine 267 with proline.
Molecular consequence: missense variant.
Genome position (GRCh38, 1-based): chr19:45,413,721, A>G on the plus strand (T>C on the coding strand, the complement: ERCC1 is on the minus strand). VCF-style: chr19-45413721-A-G. GRCh37 (hg19) VCF-style: chr19-45916979-A-G.
Other names: c.727T>C, p.Ser243Pro (NM_001166049.2, NM_001369410.1, NM_001369411.1 and 3 more transcripts); c.799T>C, p.Ser267Pro (NM_001369408.1, NM_001369409.1, NM_001369412.1 and 5 more transcripts); short protein forms S267P, S243P.
Identifiers: ClinVar variation 638523 (VCV000638523.9), dbSNP rs146256515, ClinGen allele CA9515275.